The following is an entry in ClinVar:

NM_001042492.3(NF1):c.6725C>T (p.Pro2242Leu)

Gene: NF1 (neurofibromin 1; plus strand). Cytogenetic location: 17q11.2.
Variant type: single nucleotide variant.
Coding change: c.6725C>T on transcript NM_001042492.3 (MANE Select); coding-DNA position 6725, C replaced by T.
Protein change: p.Pro2242Leu; replaces proline 2242 with leucine.
Molecular consequence: missense variant.
Genome position (GRCh38, 1-based): chr17:31,338,045, C>T. VCF-style: chr17-31338045-C-T. GRCh37 (hg19) VCF-style: chr17-29665063-C-T.
Other names: c.6662C>T, p.Pro2221Leu (NM_000267.4); short protein forms P2221L, P2242L.
Identifiers: ClinVar variation 2881464 (VCV002881464.4), dbSNP rs2151558080, ClinGen allele CA399014027.

ClinVar aggregate classification (germline): Uncertain significance. Review status: criteria provided, multiple submitters, no conflicts (2 of 4 stars). 2 submissions from 2 submitters: Uncertain significance (2). Last evaluated 2024-08-17.

Conditions:
Cardiovascular phenotype. Identifiers: MedGen CN230736.
Hereditary cancer-predisposing syndrome. Also called: Hereditary Cancer Syndrome; Hereditary neoplastic syndrome; Neoplastic Syndromes, Hereditary; Tumor predisposition. Identifiers: Orphanet 140162, MedGen C0027672, MeSH D009386, MONDO:0015356.
Neurofibromatosis, type 1 (NF1). Also called: Peripheral type neurofibromatosis; Neurofibromatosis, type I; VON RECKLINGHAUSEN DISEASE; NEUROFIBROMATOSIS, TYPE I, SOMATIC. Identifiers: Orphanet 636, MedGen C0027831, MONDO:0018975, OMIM 162200. Disease mechanism: loss of function.

gnomAD v4.1: 1 of 1,613,552 alleles (0.000062%); no homozygotes.

Submissions (2):

Ambry Genetics
Classification: Uncertain significance for Cardiovascular phenotype; Hereditary cancer-predisposing syndrome. Last evaluated: 2024-08-17. Review status: criteria provided, single submitter. Criteria: Ambry Variant Classification Scheme 2023. Collection method: clinical testing. Allele origin: germline.
Comment: The p.P2221L variant (also known as c.6662C>T), located in coding exon 44 of the NF1 gene, results from a C to T substitution at nucleotide position 6662. The proline at codon 2221 is replaced by leucine, an amino acid with similar properties. This amino acid position is conserved. In addition, this alteration is predicted to be deleterious by in silico analysis. Based on the available evidence, the clinical significance of this variant remains unclear.

Labcorp Genetics (formerly Invitae), Labcorp
Classification: Uncertain significance for Neurofibromatosis, type 1. Last evaluated: 2024-04-16. Review status: criteria provided, single submitter. Criteria: Invitae Variant Classification Sherloc (09022015). Collection method: clinical testing. Allele origin: germline.
Comment: This sequence change replaces proline, which is neutral and non-polar, with leucine, which is neutral and non-polar, at codon 2221 of the NF1 protein (p.Pro2221Leu). This variant is not present in population databases (gnomAD no frequency). This variant has not been reported in the literature in individuals affected with NF1-related conditions. Advanced modeling of protein sequence and biophysical properties (such as structural, functional, and spatial information, amino acid conservation, physicochemical variation, residue mobility, and thermodynamic stability) performed at Invitae indicates that this missense variant is expected to disrupt NF1 protein function with a positive predictive value of 95%. In summary, the available evidence is currently insufficient to determine the role of this variant in disease. Therefore, it has been classified as a Variant of Uncertain Significance.